The following is an entry in ClinVar:

ClinVar aggregate classification (germline): Likely benign (1 of 4 stars; one submission).

Submission:

CeGaT Center for Human Genetics Tuebingen
Classification: Likely benign. Last evaluated: 2026-04-01. Review status: criteria provided, single submitter. Criteria: CeGaT Center For Human Genetics Tuebingen Variant Classification Criteria Version 2. Collection method: clinical testing. Allele origin: germline. Affected: yes. Observed: 1 variant allele.
Comment: ARID1A: PM2:Supporting, BP4, BP7

NM_006015.6(ARID1A):c.4221A>T (p.Pro1407=)

Gene: ARID1A (AT-rich interaction domain 1A; plus strand). Cytogenetic location: 1p36.11.
Variant type: single nucleotide variant.
Coding change: c.4221A>T on transcript NM_006015.6 (MANE Select); coding-DNA position 4221, A replaced by T.
Protein change: p.Pro1407=; no amino-acid change (proline 1407 retained).
Molecular consequence: synonymous variant. On other transcripts: intron variant (1).
Genome position (GRCh38, 1-based): chr1:26,774,448, A>T. VCF-style: chr1-26774448-A-T. GRCh37 (hg19) VCF-style: chr1-27100939-A-T.
Other names: c.4102-532A>T (NM_139135.4).
Identifiers: ClinVar variation 4873225 (VCV004873225.2).